The following is an entry in ClinVar:

ClinVar aggregate classification (germline): Conflicting classifications of pathogenicity. Review status: criteria provided, conflicting classifications (1 of 4 stars). 8 submissions from 8 submitters: Uncertain significance (6); Likely benign (2). Last evaluated 2026-01-10.

Conditions:
Myofibrillar myopathy 5. Also called: Filaminopathy (type); FILAMINOPATHY, AUTOSOMAL DOMINANT. Identifiers: Orphanet 171445, MedGen C1836050, MONDO:0012289, OMIM 609524.
Hypertrophic cardiomyopathy 26. Also called: Cardiomyopathy, familial hypertrophic, 26. Identifiers: Orphanet 75249, MedGen C4310749, MONDO:0014883, OMIM 617047.
Distal myopathy with posterior leg and anterior hand involvement. Also called: WILLIAMS DISTAL MYOPATHY. Identifiers: Orphanet 63273, MedGen C3279722, MONDO:0013550, OMIM 614065.
Cardiovascular phenotype. Identifiers: MedGen CN230736.

Allele frequency attached by ClinVar (database versions not stated): TOPMed 0.00012.

Submissions (8):

Labcorp Genetics (formerly Invitae), Labcorp
Classification: Likely benign for Distal myopathy with posterior leg and anterior hand involvement; Myofibrillar myopathy 5; Hypertrophic cardiomyopathy 26. Last evaluated: 2026-01-10. Review status: criteria provided, single submitter. Criteria: Invitae Variant Classification Sherloc (09022015). Collection method: clinical testing. Allele origin: germline.

Molecular Diagnostic Laboratory for Inherited Cardiovascular Disease, Montreal Heart Institute
Classification: Uncertain significance for Cardiovascular phenotype. Last evaluated: 2025-04-09. Review status: criteria provided, single submitter. Criteria: ACMG Guidelines, 2015. Collection method: clinical testing. Allele origin: germline. Affected: yes.

CeGaT Center for Human Genetics Tuebingen
Classification: Uncertain significance. Last evaluated: 2025-04-01. Review status: criteria provided, single submitter. Criteria: CeGaT Center For Human Genetics Tuebingen Variant Classification Criteria Version 2. Collection method: clinical testing. Allele origin: germline. Affected: yes. Observed: 1 variant allele.

Blueprint Genetics
Classification: Likely benign. Last evaluated: 2024-10-07. Review status: criteria provided, single submitter. Criteria: ACMG Guidelines, 2015. Collection method: clinical testing. Allele origin: germline.

Ambry Genetics
Classification: Uncertain significance for Cardiovascular phenotype. Last evaluated: 2024-05-23. Review status: criteria provided, single submitter. Criteria: Ambry Variant Classification Scheme 2023. Collection method: clinical testing. Allele origin: germline.
Comment: The p.R1434H variant (also known as c.4301G>A), located in coding exon 25 of the FLNC gene, results from a G to A substitution at nucleotide position 4301. The arginine at codon 1434 is replaced by histidine, an amino acid with highly similar properties. This variant has been detected in an individual from a pediatric dilated cardiomyopathy cohort; however, details were limited (Ware SM et al. Am J Hum Genet. 2022 Feb;109(2):282-298). This amino acid position is well conserved in available vertebrate species. In addition, the in silico prediction for this alteration is inconclusive. Based on the available evidence, the clinical significance of this variant remains unclear.

Fulgent Genetics
Classification: Uncertain significance for Myofibrillar myopathy 5; Distal myopathy with posterior leg and anterior hand involvement; Hypertrophic cardiomyopathy 26. Last evaluated: 2021-09-06. Review status: criteria provided, single submitter. Criteria: ACMG Guidelines, 2015. Collection method: clinical testing. Allele origin: unknown.

GeneDx
Classification: Uncertain significance. Last evaluated: 2019-06-13. Review status: criteria provided, single submitter. Criteria: GeneDx Variant Classification Process June 2021. Collection method: clinical testing. Allele origin: germline. Affected: yes.
Comment: In silico analysis, which includes protein predictors and evolutionary conservation, supports a deleterious effect; Has not been previously published as pathogenic or benign to our knowledge

Eurofins Ntd Llc (ga)
Classification: Uncertain significance. Last evaluated: 2018-08-03. Review status: criteria provided, single submitter. Criteria: EGL ClinVar v180209 classification definitions. Collection method: clinical testing. Allele origin: germline. Observed: 1 variant allele, 1 heterozygote.

Literature cited by the submitters: PubMed 35026164 (cited by Ambry Genetics).

NM_001458.5(FLNC):c.4301G>A (p.Arg1434His)

Gene: FLNC (filamin C; plus strand). Cytogenetic location: 7q32.1.
Variant type: single nucleotide variant.
Coding change: c.4301G>A on transcript NM_001458.5 (MANE Select); coding-DNA position 4301, G replaced by A.
Protein change: p.Arg1434His; replaces arginine 1434 with histidine.
Molecular consequence: missense variant.
Genome position (GRCh38, 1-based): chr7:128,847,709, G>A. VCF-style: chr7-128847709-G-A. GRCh37 (hg19) VCF-style: chr7-128487763-G-A.
Other names: c.4301G>A, p.Arg1434His (NM_001127487.2); short protein forms R1434H.
Identifiers: ClinVar variation 450150 (VCV000450150.29), dbSNP rs143623535, ClinGen allele CA4475309.
Genomic context (GRCh38, chr7:128,847,709, plus strand): 5'-GGACCCATCAGGGCTGGTGGGCAGGGTCTAATGTCCTTCTCCTCACAGGGAGCCCGTTCC[G>A]CGTGCCAGTGAAGGATGTGGTGGACCCTGGGAAGGTGAAGTGCTCAGGGCCAGGGCTGGG-3'
Protein context (NP_001449.3, residues 1424-1444): GGRPIPGSPF[Arg1434His]VPVKDVVDPG